The following is an entry in ClinVar:

NM_182760.4(SUMF1):c.1046G>C (p.Arg349Pro)

Gene: SUMF1 (sulfatase modifying factor 1; minus strand). Cytogenetic location: 3p26.1.
Variant type: single nucleotide variant.
Coding change: c.1046G>C on transcript NM_182760.4 (MANE Select); coding-DNA position 1046, G replaced by C.
Protein change: p.Arg349Pro; replaces arginine 349 with proline.
Molecular consequence: missense variant.
Genome position (GRCh38, 1-based): chr3:4,362,223, C>G on the plus strand (G>C on the coding strand, the complement: SUMF1 is on the minus strand). VCF-style: chr3-4362223-C-G. GRCh37 (hg19) VCF-style: chr3-4403907-C-G.
Other names: c.971G>C, p.Arg324Pro (NM_001164674.2); c.986G>C, p.Arg329Pro (NM_001164675.2); short protein forms R329P, R324P, R349P.
Identifiers: ClinVar variation 2734439 (VCV002734439.5), dbSNP rs137852847, ClinGen allele CA351626505.

ClinVar aggregate classification (germline): Pathogenic/Likely pathogenic. Review status: criteria provided, multiple submitters, no conflicts (2 of 4 stars). 3 submissions from 3 submitters: Pathogenic (1); Likely pathogenic (2). Last evaluated 2026-02-05.

Conditions:
Spinocerebellar ataxia type 15/16 (SCA15). Also called: Spinocerebellar Ataxia Type 15. Identifiers: Orphanet 98769, MedGen C1847725, MONDO:0011694, OMIM 606658.
Multiple sulfatase deficiency (MSD). Also called: Mucosulfatidosis; Multiple Sulfatase Deficiency Disease; Sulfatidosis, Juvenile, Austin Type. Identifiers: Orphanet 585, MedGen C0268263, MONDO:0010088, OMIM 272200.

Allele frequency attached by ClinVar (database versions not stated): TOPMed below 0.00001.

Submissions (3):

Women's Health and Genetics/Laboratory Corporation of America, LabCorp
Classification: Likely pathogenic for Multiple sulfatase deficiency. Last evaluated: 2026-02-05. Review status: criteria provided, single submitter. Criteria: LabCorp Variant Classification Summary - May 2015. Collection method: clinical testing. Allele origin: germline.
Comment: Variant summary: SUMF1 c.1046G>C (p.Arg349Pro) results in a non-conservative amino acid change in the encoded protein sequence. Algorithms developed to predict the effect of missense changes on protein structure and function all suggest that this variant is likely to be disruptive. The variant was absent in 248998 control chromosomes. c.1046G>C has been observed in at least one compound heterozygous individual affected with Multiple sulfatase deficiency (e.g. Meng_2013). Multiple variants located at the same codon (c.1046G>A (p.Arg349Gln); c.1045C>T (p.Arg349Trp)) have been classified as Pathogenic/Likely Pathogenic by our lab, supporting a critical relevance of this residue to SUMF1 protein function. The following publication has been ascertained in the context of this evaluation (PMID: 24484558). ClinVar contains an entry for this variant (Variation ID: 2734439). Based on the evidence outlined above, the variant was classified as likely pathogenic.

Genomic Medicine Center of Excellence, King Faisal Specialist Hospital and Research Centre
Classification: Likely pathogenic for Spinocerebellar ataxia type 15/16. Last evaluated: 2024-04-04. Review status: criteria provided, single submitter. Criteria: ACMG Guidelines, 2015. Collection method: clinical testing. Allele origin: germline.

Labcorp Genetics (formerly Invitae), Labcorp
Classification: Pathogenic for Multiple sulfatase deficiency. Last evaluated: 2023-08-10. Review status: criteria provided, single submitter. Criteria: Invitae Variant Classification Sherloc (09022015). Collection method: clinical testing. Allele origin: germline.
Comment: This sequence change replaces arginine, which is basic and polar, with proline, which is neutral and non-polar, at codon 349 of the SUMF1 protein (p.Arg349Pro). This variant is not present in population databases (gnomAD no frequency). This missense change has been observed in individual(s) with multiple sulfatase deficiency (PMID: 24484558). In at least one individual the data is consistent with being in trans (on the opposite chromosome) from a pathogenic variant. Advanced modeling of protein sequence and biophysical properties (such as structural, functional, and spatial information, amino acid conservation, physicochemical variation, residue mobility, and thermodynamic stability) performed at Invitae indicates that this missense variant is expected to disrupt SUMF1 protein function. This variant disrupts the p.Arg349 amino acid residue in SUMF1. Other variant(s) that disrupt this residue have been determined to be pathogenic (PMID: 12757705, 12757706, 15146462, 17881260). This suggests that this residue is clinically significant, and that variants that disrupt this residue are likely to be disease-causing. For these reasons, this variant has been classified as Pathogenic.

Literature cited by the submitters: PubMed 24484558 (cited by Women's Health and Genetics/Laboratory Corporation of America, LabCorp and Labcorp Genetics (formerly Invitae), Labcorp); PubMed 12757705 (cited by Labcorp Genetics (formerly Invitae), Labcorp); PubMed 12757706 (cited by Labcorp Genetics (formerly Invitae), Labcorp); PubMed 15146462 (cited by Labcorp Genetics (formerly Invitae), Labcorp); PubMed 17881260 (cited by Labcorp Genetics (formerly Invitae), Labcorp).